The following is an entry in ClinVar:

ClinVar aggregate classification (germline): Uncertain significance (1 of 4 stars; one submission).

gnomAD v4.1: 28 of 1,610,356 alleles (0.0017%); highest among the groups gnomAD compares: East Asian, 0.054%; no homozygotes.

Submission:

Labcorp Genetics (formerly Invitae), Labcorp
Classification: Uncertain significance. Last evaluated: 2025-03-11. Review status: criteria provided, single submitter. Criteria: Invitae Variant Classification Sherloc (09022015). Collection method: clinical testing. Allele origin: germline.
Comment: This sequence change replaces proline, which is neutral and non-polar, with leucine, which is neutral and non-polar, at codon 1452 of the FOCAD protein (p.Pro1452Leu). This variant is present in population databases (rs539891251, gnomAD 0.1%), and has an allele count higher than expected for a pathogenic variant. This variant has not been reported in the literature in individuals affected with FOCAD-related conditions. Experimental studies and prediction algorithms are not available or were not evaluated, and the functional significance of this variant is currently unknown. In summary, the available evidence is currently insufficient to determine the role of this variant in disease. Therefore, it has been classified as a Variant of Uncertain Significance.

NM_001375567.1(FOCAD):c.4355C>T (p.Pro1452Leu)

Gene: FOCAD (focadhesin; plus strand). Cytogenetic location: 9p21.3.
Variant type: single nucleotide variant.
Coding change: c.4355C>T on transcript NM_001375567.1 (MANE Select); coding-DNA position 4355, C replaced by T.
Protein change: p.Pro1452Leu; replaces proline 1452 with leucine.
Molecular consequence: missense variant.
Genome position (GRCh38, 1-based): chr9:20,978,432, C>T. VCF-style: chr9-20978432-C-T. GRCh37 (hg19) VCF-style: chr9-20978431-C-T.
Other names: c.4250C>T, p.Pro1417Leu (NM_001375568.1, NM_001375570.1); c.4355C>T, p.Pro1452Leu (NM_017794.5); short protein forms P1452L, P1417L.
Identifiers: ClinVar variation 3715710 (VCV003715710.2).